The following is an entry in ClinVar:

NM_033310.3(KCNK4):c.557C>A (p.Thr186Lys)

Genes: KCNK4 (potassium two pore domain channel subfamily K member 4; plus strand), KCNK4-CATSPERZ (KCNK4-CATSPERZ readthrough (NMD candidate); plus strand). Cytogenetic location: 11q13.1.
Variant type: single nucleotide variant.
Coding change: c.557C>A on transcript NM_033310.3 (MANE Select); coding-DNA position 557, C replaced by A.
Protein change: p.Thr186Lys; replaces threonine 186 with lysine.
Molecular consequence: missense variant. On other transcripts: non-coding transcript variant (1).
Genome position (GRCh38, 1-based): chr11:64,297,549, C>A. VCF-style: chr11-64297549-C-A. GRCh37 (hg19) VCF-style: chr11-64065021-C-A.
Other names: c.557C>A, p.Thr186Lys (NM_001317090.2); short protein forms T186K.
Identifiers: ClinVar variation 4774393 (VCV004774393.1).

ClinVar aggregate classification (germline): Uncertain significance (1 of 4 stars; one submission).

gnomAD v4.1: 22 of 1,614,166 alleles (0.0014%); highest among the groups gnomAD compares: Non-Finnish European, 0.0018%; no homozygotes.

Submission:

Labcorp Genetics (formerly Invitae), Labcorp
Classification: Uncertain significance. Last evaluated: 2025-04-26. Review status: criteria provided, single submitter. Criteria: Invitae Variant Classification Sherloc (09022015). Collection method: clinical testing. Allele origin: germline.
Comment: This sequence change replaces threonine, which is neutral and polar, with lysine, which is basic and polar, at codon 186 of the KCNK4 protein (p.Thr186Lys). This variant is present in population databases (no rsID available, gnomAD 0.0009%). This variant has not been reported in the literature in individuals affected with KCNK4-related conditions. An algorithm developed to predict the effect of missense changes on protein structure and function (PolyPhen-2) suggests that this variant is likely to be tolerated. Algorithms developed to predict the effect of sequence changes on RNA splicing suggest that this variant may create or strengthen a splice site. In summary, the available evidence is currently insufficient to determine the role of this variant in disease. Therefore, it has been classified as a Variant of Uncertain Significance.